The following is an entry in ClinVar:

ClinVar aggregate classification (germline): Likely benign (1 of 4 stars; one submission).

Allele frequency attached by ClinVar (database versions not stated): gnomAD exomes below 0.00001.
gnomAD v4.1: 7 of 867,356 alleles (0.00081%); highest among the groups gnomAD compares: East Asian, 0.0079%; no homozygotes.

Submission:

GeneDx
Classification: Likely benign. Last evaluated: 2017-08-03. Review status: criteria provided, single submitter. Criteria: GeneDx Variant Classification (06012015). Collection method: clinical testing. Allele origin: germline. Affected: yes.
Comment: This variant is considered likely benign or benign based on one or more of the following criteria: it is a conservative change, it occurs at a poorly conserved position in the protein, it is predicted to be benign by multiple in silico algorithms, and/or has population frequency not consistent with disease.

NM_001191061.2(SLC25A22):c.-159G>A

Gene: SLC25A22 (solute carrier family 25 member 22; minus strand). Cytogenetic location: 11p15.5.
Variant type: single nucleotide variant.
Coding change: c.-159G>A on transcript NM_001191061.2 (MANE Select); 159 bases upstream of the start codon, G replaced by A.
Molecular consequence: 5 prime UTR variant.
Genome position (GRCh38, 1-based): chr11:795,165, C>T on the plus strand (G>A on the coding strand, the complement: SLC25A22 is on the minus strand). VCF-style: chr11-795165-C-T. GRCh37 (hg19) VCF-style: chr11-795165-C-T.
Other names: c.-159G>A (NM_001191060.2, NM_024698.6).
Identifiers: ClinVar variation 516663 (VCV000516663.1), dbSNP rs1554966277, ClinGen allele CA658797562.
Genomic context (GRCh38, chr11:795,165, plus strand): 5'-AGGGGGGTTGGGTGGTGCTCCACCTTCAGGGGAATTTCCAGGCGTCAGCAACCGCCACTT[C>T]TGTCCTAGAAGGATGAGGGAATGGGAATGAGTGAGGGTGGGGCCACCCGAAGAGTAATCC-3'